The following is an entry in ClinVar:

ClinVar aggregate classification (germline): Uncertain significance (1 of 4 stars; one submission).

Allele frequency attached by ClinVar (database versions not stated): TOPMed 0.00006; gnomAD exomes 0.00014 and 0.00122; ESP Exome Variant Server 0.00017; ExAC 0.00071; gnomAD 0.00326 and 0.00340.

Submission:

Labcorp Genetics (formerly Invitae), Labcorp
Classification: Uncertain significance. Last evaluated: 2022-04-24. Review status: criteria provided, single submitter. Criteria: Invitae Variant Classification Sherloc (09022015). Collection method: clinical testing. Allele origin: germline.
Comment: This variant, c.8779_8781dup, results in the insertion of 1 amino acid(s) of the PCLO protein (p.Glu2927dup), but otherwise preserves the integrity of the reading frame. This variant is present in population databases (rs756606073, gnomAD 0.2%), and has an allele count higher than expected for a pathogenic variant. This variant has not been reported in the literature in individuals affected with PCLO-related conditions. Experimental studies and prediction algorithms are not available or were not evaluated, and the functional significance of this variant is currently unknown. In summary, the available evidence is currently insufficient to determine the role of this variant in disease. Therefore, it has been classified as a Variant of Uncertain Significance.

NM_033026.6(PCLO):c.8779_8781dup (p.Glu2927dup)

Gene: PCLO (piccolo presynaptic cytomatrix protein; minus strand). Cytogenetic location: 7q21.11.
Variant type: Duplication.
Coding change: c.8779_8781dup on transcript NM_033026.6 (MANE Select); coding-DNA positions 8779 to 8781, 3 bases duplicated (GAA; older notation c.8779_8781dupGAA).
Protein change: p.Glu2927dup; duplicates glutamic acid 2927.
Molecular consequence: inframe insertion.
Genome position (GRCh38, 1-based): chr7:82,952,172-82,952,174, TTC duplicated on the plus strand (GAA on the coding strand, the reverse complement: PCLO is on the minus strand). VCF-style (leftmost placement, unchanged base first): chr7-82952171-T-TTTC. GRCh37 (hg19) VCF-style: chr7-82581487-T-TTTC.
Other names: c.8779_8781dup, p.Glu2927dup (NM_014510.3).
Identifiers: ClinVar variation 1470423 (VCV001470423.3), dbSNP rs756606073, ClinGen allele CA4320058.
Genomic context (GRCh38, chr7:82,952,171, plus strand): 5'-GTAATTTATAAACCACATCACAGCACACAGCTCTTCTCCCTGCGGTTAAATCAACGGGTT[T>TTTC]TTCATCTTCTATTATTTTGGTCATCACACTTGAAGTAGACTCATCCATTGTTACGACTGT-3'